The following is an entry in ClinVar:

ClinVar aggregate classification (germline): Uncertain significance (1 of 4 stars; one submission).

Conditions:
Dilated cardiomyopathy 1W (CMD1W). Identifiers: Orphanet 154, MedGen C1969639, MONDO:0012667, OMIM 611407.

Allele frequency attached by ClinVar (database versions not stated): gnomAD 0.00001; TOPMed 0.00001.
gnomAD v4.1: 1 of 1,614,056 alleles (0.000062%); highest among the groups gnomAD compares: African/African-American, 0.0013%; no homozygotes.

Submission:

Labcorp Genetics (formerly Invitae), Labcorp
Classification: Uncertain significance for Dilated cardiomyopathy 1W. Last evaluated: 2025-05-15. Review status: criteria provided, single submitter. Criteria: Invitae Variant Classification Sherloc (09022015). Collection method: clinical testing. Allele origin: germline.
Comment: This sequence change replaces asparagine, which is neutral and polar, with serine, which is neutral and polar, at codon 231 of the VCL protein (p.Asn231Ser). This variant is not present in population databases (gnomAD no frequency). This variant has not been reported in the literature in individuals affected with VCL-related conditions. ClinVar contains an entry for this variant (Variation ID: 1477775). An algorithm developed to predict the effect of missense changes on protein structure and function (PolyPhen-2) suggests that this variant is likely to be tolerated. In summary, the available evidence is currently insufficient to determine the role of this variant in disease. Therefore, it has been classified as a Variant of Uncertain Significance.

NM_014000.3(VCL):c.692A>G (p.Asn231Ser)

Gene: VCL (vinculin; plus strand). Cytogenetic location: 10q22.2.
Variant type: single nucleotide variant.
Coding change: c.692A>G on transcript NM_014000.3 (MANE Select); coding-DNA position 692, A replaced by G.
Protein change: p.Asn231Ser; replaces asparagine 231 with serine.
Molecular consequence: missense variant.
Genome position (GRCh38, 1-based): chr10:74,074,812, A>G. VCF-style: chr10-74074812-A-G. GRCh37 (hg19) VCF-style: chr10-75834570-A-G.
Other names: c.692A>G, p.Asn231Ser (NM_003373.4); short protein forms N231S.
Identifiers: ClinVar variation 1477775 (VCV001477775.6), dbSNP rs1194024528, ClinGen allele CA377268349.